The following is an entry in ClinVar:

NM_021008.4(DEAF1):c.1387T>G (p.Leu463Val)

Genes: DEAF1 (DEAF1 transcription factor; minus strand), LOC126861109 (BRD4-independent group 4 enhancer GRCh37_chr11:673917-675116; plus strand). Cytogenetic location: 11p15.5.
Variant type: single nucleotide variant.
Coding change: c.1387T>G on transcript NM_021008.4 (MANE Select); coding-DNA position 1387, T replaced by G.
Protein change: p.Leu463Val; replaces leucine 463 with valine.
Molecular consequence: missense variant.
Genome position (GRCh38, 1-based): chr11:674,652, A>C on the plus strand (T>G on the coding strand, the complement: DEAF1 is on the minus strand). VCF-style: chr11-674652-A-C. GRCh37 (hg19) VCF-style: chr11-674652-A-C.
Other names: c.1120T>G, p.Leu374Val (NM_001293634.2); c.661T>G, p.Leu221Val (NM_001367390.1); short protein forms L221V, L463V, L374V.
Identifiers: ClinVar variation 1996708 (VCV001996708.4), dbSNP rs961186748, ClinGen allele CA216901094.

ClinVar aggregate classification (germline): Uncertain significance (1 of 4 stars; one submission).

Submission:

Labcorp Genetics (formerly Invitae), Labcorp
Classification: Uncertain significance. Last evaluated: 2025-09-02. Review status: criteria provided, single submitter. Criteria: Invitae Variant Classification Sherloc (09022015). Collection method: clinical testing. Allele origin: germline.
Comment: This sequence change replaces leucine, which is neutral and non-polar, with valine, which is neutral and non-polar, at codon 463 of the DEAF1 protein (p.Leu463Val). This variant is not present in population databases (gnomAD no frequency). This variant has not been reported in the literature in individuals affected with DEAF1-related conditions. ClinVar contains an entry for this variant (Variation ID: 1996708). Invitae Evidence Modeling of protein sequence and biophysical properties (such as structural, functional, and spatial information, amino acid conservation, physicochemical variation, residue mobility, and thermodynamic stability) indicates that this missense variant is expected to disrupt DEAF1 protein function with a positive predictive value of 80%. In summary, the available evidence is currently insufficient to determine the role of this variant in disease. Therefore, it has been classified as a Variant of Uncertain Significance.